The following is an entry in ClinVar:

NM_005862.3(STAG1):c.2788-3C>T

Gene: STAG1 (STAG1 cohesin complex component; minus strand). Cytogenetic location: 3q22.3.
Variant type: single nucleotide variant.
Coding change: c.2788-3C>T on transcript NM_005862.3 (MANE Select); 3 bases into the intron before coding-DNA position 2788, C replaced by T.
Molecular consequence: intron variant.
Genome position (GRCh38, 1-based): chr3:136,359,299, G>A on the plus strand (C>T on the coding strand, the complement: STAG1 is on the minus strand). VCF-style: chr3-136359299-G-A. GRCh37 (hg19) VCF-style: chr3-136078141-G-A.
Identifiers: ClinVar variation 2027997 (VCV002027997.4), dbSNP rs1052219141, ClinGen allele CA83797704.
Genomic context (GRCh38, chr3:136,359,299, plus strand): 5'-CATGGGCAGATGTCCTATCTAGGTTGGGACCTTGCTCTTGAACAAGTTCATTAAATAACT[G>A]ATAGAAAGAAAAAAAGAAGAAAAAACCTATAGCTCAGAATTTTAAACAGTTATTTTCAGA-3'

ClinVar aggregate classification (germline): Uncertain significance (1 of 4 stars; one submission).

Allele frequency attached by ClinVar (database versions not stated): gnomAD 0.00001; gnomAD exomes 0.00001; TOPMed 0.00001.
gnomAD v4.1: 12 of 1,544,510 alleles (0.00078%); highest among the groups gnomAD compares: African/African-American, 0.0028%; no homozygotes.

Submission:

Labcorp Genetics (formerly Invitae), Labcorp
Classification: Uncertain significance. Last evaluated: 2022-08-30. Review status: criteria provided, single submitter. Criteria: Invitae Variant Classification Sherloc (09022015). Collection method: clinical testing. Allele origin: germline.
Comment: This variant is not present in population databases (gnomAD no frequency). This variant has not been reported in the literature in individuals affected with STAG1-related conditions. Variants that disrupt the consensus splice site are a relatively common cause of aberrant splicing (PMID: 17576681, 9536098). Algorithms developed to predict the effect of sequence changes on RNA splicing suggest that this variant is not likely to affect RNA splicing. In summary, the available evidence is currently insufficient to determine the role of this variant in disease. Therefore, it has been classified as a Variant of Uncertain Significance. This sequence change falls in intron 26 of the STAG1 gene. It does not directly change the encoded amino acid sequence of the STAG1 protein. It affects a nucleotide within the consensus splice site.

Literature cited by the submitters: PubMed 17576681; PubMed 9536098.